The following is an entry in ClinVar:

NM_172107.4(KCNQ2):c.1539C>T (p.Pro513=)

Gene: KCNQ2 (potassium voltage-gated channel subfamily Q member 2; minus strand). Cytogenetic location: 20q13.33.
Variant type: single nucleotide variant.
Coding change: c.1539C>T on transcript NM_172107.4 (MANE Select); coding-DNA position 1539, C replaced by T.
Protein change: p.Pro513=; no amino-acid change (proline 513 retained).
Molecular consequence: synonymous variant.
Genome position (GRCh38, 1-based): chr20:63,414,180, G>A on the plus strand (C>T on the coding strand, the complement: KCNQ2 is on the minus strand). VCF-style: chr20-63414180-G-A. GRCh37 (hg19) VCF-style: chr20-62045533-G-A.
Other names: c.1455C>T, p.Pro485= (NM_004518.6); c.1485C>T, p.Pro495= (NM_172106.3); c.1446C>T, p.Pro482= (NM_172108.5).
Identifiers: ClinVar variation 378027 (VCV000378027.53), dbSNP rs376713245, ClinGen allele CA9958411.

ClinVar aggregate classification (germline): Benign/Likely benign. Review status: criteria provided, multiple submitters, no conflicts (2 of 4 stars). 4 submissions from 4 submitters: Benign (1); Likely benign (3). Last evaluated 2026-01-05.

Conditions:
Early-infantile DEE. Also called: Ohtahara syndrome; Early infantile epileptic encephalopathy with suppression bursts; Early infantile epileptic encephalopathy. Identifiers: Orphanet 1934, MedGen C0393706, MONDO:0800491.

Allele frequency attached by ClinVar (database versions not stated): gnomAD exomes 0.00006 and 0.00007; ExAC 0.00010; gnomAD 0.00011 and 0.00012; TOPMed 0.00014; ESP Exome Variant Server 0.00015.
gnomAD v4.1: 105 of 1,613,226 alleles (0.0065%); highest among the groups gnomAD compares: Middle Eastern, 0.033%; no homozygotes.

Submissions (4):

Labcorp Genetics (formerly Invitae), Labcorp
Classification: Likely benign for Early-infantile DEE. Last evaluated: 2026-01-05. Review status: criteria provided, single submitter. Criteria: Invitae Variant Classification Sherloc (09022015). Collection method: clinical testing. Allele origin: germline.

CeGaT Center for Human Genetics Tuebingen
Classification: Likely benign. Last evaluated: 2025-06-01. Review status: criteria provided, single submitter. Criteria: CeGaT Center For Human Genetics Tuebingen Variant Classification Criteria Version 2. Collection method: clinical testing. Allele origin: germline. Affected: yes. Observed: 3 variant alleles.
Comment: KCNQ2: BP4, BP7

Blueprint Genetics
Classification: Likely benign. Last evaluated: 2024-09-09. Review status: criteria provided, single submitter. Criteria: ACMG Guidelines, 2015. Collection method: clinical testing. Allele origin: germline.

GeneDx
Classification: Benign. Last evaluated: 2015-08-21. Review status: criteria provided, single submitter. Criteria: GeneDx Variant Classification (06012015). Collection method: clinical testing. Allele origin: germline. Affected: yes.
Comment: This variant is considered likely benign or benign based on one or more of the following criteria: it is a conservative change, it occurs at a poorly conserved position in the protein, it is predicted to be benign by multiple in silico algorithms, and/or has population frequency not consistent with disease.